The following is an entry in ClinVar:

ClinVar aggregate classification (germline): Uncertain significance. Review status: criteria provided, multiple submitters, no conflicts (2 of 4 stars). 2 submissions from 2 submitters: Uncertain significance (2). Last evaluated 2025-04-20.

Allele frequency attached by ClinVar (database versions not stated): gnomAD 0.00001; gnomAD exomes 0.00002; ExAC 0.00006.
gnomAD v4.1: 27 of 1,612,994 alleles (0.0017%); highest among the groups gnomAD compares: Admixed American, 0.01%; no homozygotes.

Submissions (2):

Labcorp Genetics (formerly Invitae), Labcorp
Classification: Uncertain significance. Last evaluated: 2025-04-20. Review status: criteria provided, single submitter. Criteria: Invitae Variant Classification Sherloc (09022015). Collection method: clinical testing. Allele origin: germline.
Comment: This sequence change replaces threonine, which is neutral and polar, with methionine, which is neutral and non-polar, at codon 9 of the PALM protein (p.Thr9Met). This variant is present in population databases (rs760993265, gnomAD 0.03%). This variant has not been reported in the literature in individuals affected with PALM-related conditions. ClinVar contains an entry for this variant (Variation ID: 2060885). An algorithm developed to predict the effect of missense changes on protein structure and function (PolyPhen-2) suggests that this variant is likely to be disruptive. In summary, the available evidence is currently insufficient to determine the role of this variant in disease. Therefore, it has been classified as a Variant of Uncertain Significance.

Ambry Genetics
Classification: Uncertain significance. Last evaluated: 2025-03-27. Review status: criteria provided, single submitter. Criteria: Ambry Variant Classification Scheme 2023. Collection method: clinical testing. Allele origin: germline.

NM_002579.3(PALM):c.26C>T (p.Thr9Met)

Gene: PALM (paralemmin; plus strand). Cytogenetic location: 19p13.3.
Variant type: single nucleotide variant.
Coding change: c.26C>T on transcript NM_002579.3 (MANE Select); coding-DNA position 26, C replaced by T.
Protein change: p.Thr9Met; replaces threonine 9 with methionine.
Molecular consequence: missense variant.
Genome position (GRCh38, 1-based): chr19:726,158, C>T. VCF-style: chr19-726158-C-T. GRCh37 (hg19) VCF-style: chr19-726158-C-T.
Other names: c.26C>T, p.Thr9Met (NM_001040134.2); c.26C>T (NM_002579.2); short protein forms T9M.
Identifiers: ClinVar variation 2060885 (VCV002060885.5), dbSNP rs760993265, ClinGen allele CA9022383.